The following is an entry in ClinVar:

ClinVar aggregate classification (germline): Likely benign (1 of 4 stars; one submission).

Conditions:
IFT172-related disorder. Also called: IFT172-related condition; IFT172-related disorders.

Submission:

PreventionGenetics, part of Exact Sciences
Classification: Likely benign for IFT172-related condition. Last evaluated: 2025-01-12. Review status: criteria provided, single submitter. Criteria: ACMG Guidelines, 2015. Collection method: clinical testing. Allele origin: germline.
Comment: This variant is classified as likely benign based on ACMG/AMP sequence variant interpretation guidelines (Richards et al. 2015 PMID: 25741868, with internal and published modifications).

NM_015662.3(IFT172):c.3126A>G (p.Glu1042=)

Gene: IFT172 (intraflagellar transport 172; minus strand). Cytogenetic location: 2p23.3.
Variant type: single nucleotide variant.
Coding change: c.3126A>G on transcript NM_015662.3 (MANE Select); coding-DNA position 3126, A replaced by G.
Protein change: p.Glu1042=; no amino-acid change (glutamic acid 1042 retained).
Molecular consequence: synonymous variant.
Genome position (GRCh38, 1-based): chr2:27,457,741, T>C on the plus strand (A>G on the coding strand, the complement: IFT172 is on the minus strand). VCF-style: chr2-27457741-T-C. GRCh37 (hg19) VCF-style: chr2-27680608-T-C.
Other names: c.3060A>G, p.Glu1020= (NM_001410739.1).
Identifiers: ClinVar variation 4999683 (VCV004999683.1).